The following is an entry in ClinVar:

NM_000302.4(PLOD1):c.1444G>A (p.Ala482Thr)

Gene: PLOD1 (procollagen-lysine,2-oxoglutarate 5-dioxygenase 1; plus strand). Cytogenetic location: 1p36.22.
Variant type: single nucleotide variant.
Coding change: c.1444G>A on transcript NM_000302.4 (MANE Select); coding-DNA position 1444, G replaced by A.
Protein change: p.Ala482Thr; replaces alanine 482 with threonine.
Molecular consequence: missense variant.
Genome position (GRCh38, 1-based): chr1:11,964,759, G>A. VCF-style: chr1-11964759-G-A. GRCh37 (hg19) VCF-style: chr1-12024816-G-A.
Other names: c.1585G>A, p.Ala529Thr (NM_001316320.2); short protein forms A529T, A482T.
Identifiers: ClinVar variation 4139849 (VCV004139849.1).

ClinVar aggregate classification (germline): Uncertain significance (1 of 4 stars; one submission).

Conditions:
Familial thoracic aortic aneurysm and aortic dissection (TAAD). Also called: Thoracic aortic aneurysms and dissections. Identifiers: Orphanet 91387, MedGen C4707243, MONDO:0019625.

Submission:

Ambry Genetics
Classification: Uncertain significance for Familial thoracic aortic aneurysm and aortic dissection. Last evaluated: 2025-07-21. Review status: criteria provided, single submitter. Criteria: Ambry Variant Classification Scheme 2023. Collection method: clinical testing. Allele origin: germline.
Comment: The p.A482T variant (also known as c.1444G>A), located in coding exon 13 of the PLOD1 gene, results from a G to A substitution at nucleotide position 1444. The alanine at codon 482 is replaced by threonine, an amino acid with similar properties. This amino acid position is conserved. In addition, the in silico prediction for this alteration is inconclusive. Based on the available evidence, the clinical significance of this variant remains unclear.